The following is an entry in ClinVar:

NM_000701.8(ATP1A1):c.1608C>G (p.Asp536Glu)

Genes: ATP1A1 (ATPase Na+/K+ transporting subunit alpha 1; plus strand), ATP1A1-AS1 (ATP1A1 antisense RNA 1; minus strand). Cytogenetic location: 1p13.1.
Variant type: single nucleotide variant.
Coding change: c.1608C>G on transcript NM_000701.8 (MANE Select); coding-DNA position 1608, C replaced by G.
Protein change: p.Asp536Glu; replaces aspartic acid 536 with glutamic acid.
Molecular consequence: missense variant.
Genome position (GRCh38, 1-based): chr1:116,393,671, C>G. VCF-style: chr1-116393671-C-G. GRCh37 (hg19) VCF-style: chr1-116936293-C-G.
Other names: c.1608C>G, p.Asp536Glu (NM_001160233.2); c.1515C>G, p.Asp505Glu (NM_001160234.2); short protein forms D505E, D536E.
Identifiers: ClinVar variation 2872406 (VCV002872406.3), dbSNP rs142766448, ClinGen allele CA1025354.
Genomic context (GRCh38, chr1:116,393,671, plus strand): 5'-CCGTTGCAGCTCTATCCTCCTCCACGGCAAGGAGCAGCCCCTGGATGAGGAGCTGAAAGA[C>G]GCCTTTCAGAACGCCTATTTGGAGCTGGGGGGCCTCGGAGAACGAGTCCTAGGTATGCAG-3'
Protein context (NP_000692.2, residues 526-546): KEQPLDEELK[Asp536Glu]AFQNAYLELG

ClinVar aggregate classification (germline): Uncertain significance (1 of 4 stars; one submission).

gnomAD v4.1: 9 of 1,613,986 alleles (0.00056%); highest among the groups gnomAD compares: Non-Finnish European, 0.00076%; no homozygotes.

Submission:

Labcorp Genetics (formerly Invitae), Labcorp
Classification: Uncertain significance. Last evaluated: 2023-08-11. Review status: criteria provided, single submitter. Criteria: Invitae Variant Classification Sherloc (09022015). Collection method: clinical testing. Allele origin: germline.
Comment: Advanced modeling of protein sequence and biophysical properties (such as structural, functional, and spatial information, amino acid conservation, physicochemical variation, residue mobility, and thermodynamic stability) performed at Invitae indicates that this missense variant is not expected to disrupt ATP1A1 protein function. This variant has not been reported in the literature in individuals affected with ATP1A1-related conditions. This variant is present in population databases (rs142766448, gnomAD 0.0009%). This sequence change replaces aspartic acid, which is acidic and polar, with glutamic acid, which is acidic and polar, at codon 536 of the ATP1A1 protein (p.Asp536Glu). In summary, the available evidence is currently insufficient to determine the role of this variant in disease. Therefore, it has been classified as a Variant of Uncertain Significance.